The following is an entry in ClinVar:

NM_134261.3(RORA):c.203T>A (p.Ile68Asn)

Genes: RORA (RAR related orphan receptor A; minus strand), RORA-AS1 (RORA antisense RNA 1; plus strand). Cytogenetic location: 15q22.2.
Variant type: single nucleotide variant.
Coding change: c.203T>A on transcript NM_134261.3 (MANE Select); coding-DNA position 203, T replaced by A.
Protein change: p.Ile68Asn; replaces isoleucine 68 with asparagine.
Molecular consequence: missense variant.
Genome position (GRCh38, 1-based): chr15:60,531,845, A>T on the plus strand (T>A on the coding strand, the complement: RORA is on the minus strand). VCF-style: chr15-60531845-A-T. GRCh37 (hg19) VCF-style: chr15-60824044-A-T.
Other names: c.278T>A, p.Ile93Asn (NM_002943.4); c.302T>A, p.Ile101Asn (NM_134260.3); c.38T>A, p.Ile13Asn (NM_134262.3); short protein forms I101N, I13N, I68N, I93N.
Identifiers: ClinVar variation 2429099 (VCV002429099.4), dbSNP rs2542193929, ClinGen allele CA392665532.

ClinVar aggregate classification (germline): Likely pathogenic (1 of 4 stars; one submission).

Conditions:
Intellectual developmental disorder with or without epilepsy or cerebellar ataxia. Identifiers: MedGen C4748041, MONDO:0060745, OMIM 618060.

Submission:

Greenwood Genetic Center Diagnostic Laboratories, Greenwood Genetic Center
Classification: Likely pathogenic for Intellectual developmental disorder with or without epilepsy or cerebellar ataxia. Last evaluated: 2022-11-08. Review status: criteria provided, single submitter. Criteria: ACMG Guidelines, 2015. Collection method: clinical testing. Allele origin: germline. Affected: yes.
Comment: PS2, PM2, PP3